The following is an entry in ClinVar:

NM_030665.4(RAI1):c.4523C>T (p.Ser1508Phe)

Gene: RAI1 (retinoic acid induced 1; plus strand). Cytogenetic location: 17p11.2.
Variant type: single nucleotide variant.
Coding change: c.4523C>T on transcript NM_030665.4 (MANE Select); coding-DNA position 4523, C replaced by T.
Protein change: p.Ser1508Phe; replaces serine 1508 with phenylalanine.
Molecular consequence: missense variant.
Genome position (GRCh38, 1-based): chr17:17,797,471, C>T. VCF-style: chr17-17797471-C-T. GRCh37 (hg19) VCF-style: chr17-17700785-C-T.
Other names: c.4523C>T (NM_030665.3); short protein forms S1508F.
Identifiers: ClinVar variation 2889242 (VCV002889242.6), dbSNP rs376509042, ClinGen allele CA398556961.
Genomic context (GRCh38, chr17:17,797,471, plus strand): 5'-GTGAGGACAACTCTGGTGGAGGAGGCAAGAAGCCAAAGATGGAGGAGCTGGGCCTGGCCT[C>T]CCAGCCCCCGGAGGGCAGGCCCTGCCAGCCCCAGACAAGGGCACAGAAACAGCCAGGCCA-3'
Protein context (NP_109590.3, residues 1498-1518): KPKMEELGLA[Ser1508Phe]QPPEGRPCQP

ClinVar aggregate classification (germline): Uncertain significance. Review status: criteria provided, multiple submitters, no conflicts (2 of 4 stars). 2 submissions from 2 submitters: Uncertain significance (2). Last evaluated 2026-08-17.

Conditions:
RAI1-related disorder. Also called: RAI1-related condition.

Allele frequency attached by ClinVar (database versions not stated): gnomAD exomes below 0.00001; TOPMed below 0.00001; gnomAD 0.00001.
gnomAD v4.1: 6 of 1,613,166 alleles (0.00037%); highest among the groups gnomAD compares: Non-Finnish European, 0.00051%; no homozygotes.

Submissions (2):

PreventionGenetics, part of Exact Sciences
Classification: Uncertain significance for RAI1-related condition. Last evaluated: 2026-08-17. Review status: criteria provided, single submitter. Criteria: ACMG Guidelines, 2015. Collection method: clinical testing. Allele origin: germline.
Comment: The RAI1 c.4523C>T variant is predicted to result in the amino acid substitution p.Ser1508Phe. To our knowledge, this variant has not been reported in the literature. This variant is reported in 0.00089% of alleles in individuals of European (non-Finnish) descent in gnomAD. At this time, the clinical significance of this variant is uncertain due to the absence of conclusive functional and genetic evidence.

Labcorp Genetics (formerly Invitae), Labcorp
Classification: Uncertain significance. Last evaluated: 2025-07-08. Review status: criteria provided, single submitter. Criteria: Invitae Variant Classification Sherloc (09022015). Collection method: clinical testing. Allele origin: germline.
Comment: This sequence change replaces serine, which is neutral and polar, with phenylalanine, which is neutral and non-polar, at codon 1508 of the RAI1 protein (p.Ser1508Phe). This variant is present in population databases (no rsID available, gnomAD 0.0009%). This variant has not been reported in the literature in individuals affected with RAI1-related conditions. ClinVar contains an entry for this variant (Variation ID: 2889242). Invitae Evidence Modeling of protein sequence and biophysical properties (such as structural, functional, and spatial information, amino acid conservation, physicochemical variation, residue mobility, and thermodynamic stability) indicates that this missense variant is not expected to disrupt RAI1 protein function with a negative predictive value of 80%. In summary, the available evidence is currently insufficient to determine the role of this variant in disease. Therefore, it has been classified as a Variant of Uncertain Significance.